The following is an entry in ClinVar:

NM_000169.3(GLA):c.-44C>T

Genes: GLA (galactosidase alpha; minus strand), RPL36A-HNRNPH2 (RPL36A-HNRNPH2 readthrough; plus strand). Cytogenetic location: Xq22.1.
Variant type: single nucleotide variant.
Coding change: c.-44C>T on transcript NM_000169.3 (MANE Select); 44 bases upstream of the start codon, C replaced by T.
Molecular consequence: intron variant (on NM_001199973.2).
Genome position (GRCh38, 1-based): chrX:101,407,947, G>A on the plus strand (C>T on the coding strand, the complement: GLA is on the minus strand). VCF-style: chrX-101407947-G-A. GRCh37 (hg19) VCF-style: chrX-100662935-G-A.
Other names: c.-44C>T (NM_000169.2); c.301-3989G>A (NM_001199973.2); c.178-3989G>A (NM_001199974.2).
Identifiers: ClinVar variation 222101 (VCV000222101.17), dbSNP rs781906252, ClinGen allele CA352290.
Genomic context (GRCh38, chrX:101,407,947, plus strand): 5'-GGGTTCCTCAGCTGCATTGTCACGGTGACCGGACAGCATAAATTTCCGCGGGTAACCTGG[G>A]CTTTTAAGATTAACCTCAGGGGCGGACCAATCACCGATGACTTATTAAATAATGACGTTA-3'

ClinVar aggregate classification (germline): Conflicting classifications of pathogenicity. Review status: criteria provided, conflicting classifications (1 of 4 stars). 5 submissions from 5 submitters: Uncertain significance (2); Likely benign (2). 1 of the submissions does not count toward it. Last evaluated 2026-09-08.

Conditions:
Fabry disease. Also called: GLA DEFICIENCY; HEREDITARY DYSTOPIC LIPIDOSIS; Fabry's disease; Angiokeratoma corporis diffusum; Ceramide trihexosidosis; ALPHA-GALACTOSIDASE A DEFICIENCY. Identifiers: Orphanet 324, MedGen C0002986, MONDO:0010526, OMIM 301500, HP:0001071. Disease mechanism: loss of function, Fabry disease is due to inactivating mutations in the X-linked GLA gene resulting in deficiency of the enzyme Alpha Galactosidase-A..

Allele frequency attached by ClinVar (database versions not stated): gnomAD 0.00015 and 0.00025; TOPMed 0.00049.

Submissions (5):

Genomenon, Inc
Classification: Uncertain significance for Fabry disease. Last evaluated: 2026-09-08. Review status: criteria provided, single submitter. Criteria: Genomenon Sequence Variant Interpretation Standards - Updated. Collection method: curation. Allele origin: germline. Affected: no.
Comment: GLA c.-44C>T is a variant located in the 5′ untranslated region (5′ UTR). This variant has been reported in the published literature (PMID:34205365;29330335;20110537;25772321). It is absent or not present at a significant frequency in gnomAD. In conclusion, we classify GLA c.-44C>T as a variant of uncertain significance.

Labcorp Genetics (formerly Invitae), Labcorp
Classification: Uncertain significance for Fabry disease. Last evaluated: 2022-11-22. Review status: criteria provided, single submitter. Criteria: Invitae Variant Classification Sherloc (09022015). Collection method: clinical testing. Allele origin: germline.
Comment: This variant is present in population databases (rs781906252, gnomAD 0.02%). In summary, the available evidence is currently insufficient to determine the role of this variant in disease. Therefore, it has been classified as a Variant of Uncertain Significance. Experimental studies are conflicting or provide insufficient evidence to determine the effect of this variant on GLA function (PMID: 25772321). Algorithms developed to predict the effect of variants on protein structure and function are not available or were not evaluated for this variant. ClinVar contains an entry for this variant (Variation ID: 222101). This variant has been observed in individual(s) with ischemic stroke and cerebral venous thrombosis (PMID: 20110537). This variant occurs in a non-coding region of the GLA gene. It does not change the encoded amino acid sequence of the GLA protein.

ARUP Laboratories, Molecular Genetics and Genomics, ARUP Laboratories
Classification: Likely benign. Last evaluated: 2020-05-14. Review status: criteria provided, single submitter. Criteria: ARUP Molecular Germline Variant Investigation Process. Collection method: clinical testing. Allele origin: germline.

GeneDx
Classification: Likely benign. Last evaluated: 2018-06-15. Review status: criteria provided, single submitter. Criteria: GeneDx Variant Classification (06012015). Collection method: clinical testing. Allele origin: germline. Affected: yes.
Comment: This variant is considered likely benign or benign based on one or more of the following criteria: it is a conservative change, it occurs at a poorly conserved position in the protein, it is predicted to be benign by multiple in silico algorithms, and/or has population frequency not consistent with disease.

Natera, Inc.
Classification: Likely benign for Fabry disease. Last evaluated: 2020-02-12. Review status: no assertion criteria provided. Collection method: clinical testing. Allele origin: germline. Not counted in ClinVar's aggregate classification.

Literature cited by the submitters: PubMed 34205365 (cited by Genomenon, Inc); PubMed 29330335 (cited by Genomenon, Inc); PubMed 20110537 (cited by Genomenon, Inc and Labcorp Genetics (formerly Invitae), Labcorp); PubMed 25772321 (cited by Genomenon, Inc and Labcorp Genetics (formerly Invitae), Labcorp).